The following is an entry in ClinVar:

ClinVar aggregate classification (germline): Conflicting classifications of pathogenicity. Review status: criteria provided, conflicting classifications (1 of 4 stars). 3 submissions from 3 submitters: Uncertain significance (1); Likely benign (2). Last evaluated 2024-05-09.

Conditions:
Familial cancer of breast. Also called: Hereditary breast cancer; hereditary breast carcinoma; BREAST CANCER, FAMILIAL. Identifiers: Orphanet 227535, MedGen C0346153, MONDO:0016419, OMIM 114480. Disease mechanism: loss of function.
Ataxia-telangiectasia syndrome (AT). Also called: ATAXIA-TELANGIECTASIA, COMPLEMENTATION GROUP A; Ataxia-telangiectasia; Ataxia telangiectasia (A-T); Cerebello-oculocutaneous telangiectasia; Immunodeficiency with ataxia telangiectasia; LOUIS-BAR SYNDROME. Identifiers: Orphanet 100, MedGen C0004135, MONDO:0008840, OMIM 208900.

Submissions (3):

Myriad Genetics, Inc.
Classification: Likely benign for Familial cancer of breast. Last evaluated: 2024-05-09. Review status: criteria provided, single submitter. Criteria: Myriad Autosomal Dominant, Autosomal Recessive and X-Linked Classification Criteria (2023). Collection method: clinical testing. Allele origin: unknown.
Comment: This variant is considered likely benign. This variant is intronic and is not expected to impact mRNA splicing.

Quest Diagnostics Nichols Institute San Juan Capistrano
Classification: Uncertain significance. Last evaluated: 2024-03-05. Review status: criteria provided, single submitter. Criteria: Quest Diagnostics criteria. Collection method: clinical testing. Allele origin: unknown.

Labcorp Genetics (formerly Invitae), Labcorp
Classification: Likely benign for Ataxia-telangiectasia syndrome. Last evaluated: 2023-08-11. Review status: criteria provided, single submitter. Criteria: Invitae Variant Classification Sherloc (09022015). Collection method: clinical testing. Allele origin: germline.

NM_000051.4(ATM):c.2466+9G>T

Gene: ATM (ATM serine/threonine kinase; plus strand). Cytogenetic location: 11q22.3.
Variant type: single nucleotide variant.
Coding change: c.2466+9G>T on transcript NM_000051.4 (MANE Select); 9 bases into the intron after coding-DNA position 2466, G replaced by T.
Molecular consequence: intron variant.
Genome position (GRCh38, 1-based): chr11:108,259,084, G>T. VCF-style: chr11-108259084-G-T. GRCh37 (hg19) VCF-style: chr11-108129811-G-T.
Other names: c.2466+9G>T (NM_000051.3, NM_001351834.2).
Identifiers: ClinVar variation 1645490 (VCV001645490.10), dbSNP rs2135422617, ClinGen allele CA2573146523.
Genomic context (GRCh38, chr11:108,259,084, plus strand): 5'-ATTGTTAACATCAAAGCTAATGAATGACATTGCAGATATTTGTAAAAGTTTAGTAAGTAT[G>T]CTTCCTGTTTTGCTATCATATTTTGATTCTAATAGGCATAATTTTTTTGTTGAAATATCT-3'